The following is an entry in ClinVar:

ClinVar aggregate classification (germline): Conflicting classifications of pathogenicity. Review status: criteria provided, conflicting classifications (1 of 4 stars). 7 submissions from 7 submitters: Uncertain significance (1); Benign (3); Likely benign (3). Last evaluated 2026-01-28.

Conditions:
Ehlers-Danlos syndrome, classic type, 1 (EDSCL1). Also called: Ehlers-Danlos syndrome, type 1; EHLERS-DANLOS SYNDROME, GRAVIS TYPE; EHLERS-DANLOS SYNDROME, SEVERE CLASSIC TYPE; Ehlers-Danlos Syndrome, Classic Type, COL5A1-Related; EDS I. Identifiers: MedGen C0268335, MONDO:0019567, OMIM 130000.
Ehlers-Danlos syndrome, classic type (cEDS). Identifiers: Orphanet 287, MedGen C4225429, MONDO:0007522.
Familial thoracic aortic aneurysm and aortic dissection (TAAD). Also called: Thoracic aortic aneurysms and dissections. Identifiers: Orphanet 91387, MedGen C4707243, MONDO:0019625.

Allele frequency attached by ClinVar (database versions not stated): gnomAD exomes 0.00009 and 0.00025; ExAC 0.00027; 1000 Genomes Project 0.00080; gnomAD 0.00102 and 0.00112; 1000 Genomes Project 30x 0.00109; TOPMed 0.00111; ESP Exome Variant Server 0.00177.
gnomAD v4.1: 287 of 1,613,986 alleles (0.018%); highest among the groups gnomAD compares: African/African-American, 0.35%; no homozygotes.

Submissions (7):

Labcorp Genetics (formerly Invitae), Labcorp
Classification: Benign for Ehlers-Danlos syndrome, classic type, 1. Last evaluated: 2026-01-28. Review status: criteria provided, single submitter. Criteria: Invitae Variant Classification Sherloc (09022015). Collection method: clinical testing. Allele origin: germline.

CeGaT Center for Human Genetics Tuebingen
Classification: Likely benign. Last evaluated: 2025-11-01. Review status: criteria provided, single submitter. Criteria: CeGaT Center For Human Genetics Tuebingen Variant Classification Criteria Version 2. Collection method: clinical testing. Allele origin: germline. Affected: yes. Observed: 1 variant allele.
Comment: COL5A1: BP4, BS1

GeneDx
Classification: Likely benign. Last evaluated: 2021-05-03. Review status: criteria provided, single submitter. Criteria: GeneDx Variant Classification Process June 2021. Collection method: clinical testing. Allele origin: germline. Affected: yes.

Ambry Genetics
Classification: Likely benign for Familial thoracic aortic aneurysm and aortic dissection. Last evaluated: 2018-11-29. Review status: criteria provided, single submitter. Criteria: Ambry Variant Classification Scheme 2023. Collection method: clinical testing. Allele origin: germline.

Center for Genomics, Ann and Robert H. Lurie Children's Hospital of Chicago
Classification: Uncertain significance for Ehlers-Danlos syndrome, classic type, 1. Last evaluated: 2017-08-01. Review status: criteria provided, single submitter. Criteria: ACMG Guidelines, 2015. Collection method: clinical testing. Allele origin: germline.
Comment: COL5A1 NM_000093.3 (c.3204+3G>A): This variant has not been reported in the literature. This variant is present in 0.3% (87/24012) of African individuals in the Genome Aggregation Database. This variant is present in ClinVar (Variation ID:197404). Evolutionary conservation and computational predictive tools for this variant are limited or unavailable. This variant alters the consensus splice sequence which may result in an absent or abnormal protein. However, further studies are needed to understand its impact. In summary, data on this variant is insufficient for disease classification. Therefore, the clinical significance of this variant is uncertain.

Eurofins Ntd Llc (ga)
Classification: Benign. Last evaluated: 2014-10-02. Review status: criteria provided, single submitter. Criteria: EGL Classification Definitions 2015. Collection method: clinical testing. Allele origin: germline. Observed: 1 variant allele, 1 heterozygote.

PreventionGenetics, part of Exact Sciences
Classification: Benign. Review status: criteria provided, single submitter. Criteria: ACMG Guidelines, 2015. Collection method: clinical testing. Allele origin: germline.

NM_000093.5(COL5A1):c.3204+3G>A

Gene: COL5A1 (collagen type V alpha 1 chain; plus strand). Cytogenetic location: 9q34.3.
Variant type: single nucleotide variant.
Coding change: c.3204+3G>A on transcript NM_000093.5 (MANE Select); 3 bases into the intron after coding-DNA position 3204, G replaced by A.
Molecular consequence: intron variant.
Genome position (GRCh38, 1-based): chr9:134,805,067, G>A. VCF-style: chr9-134805067-G-A. GRCh37 (hg19) VCF-style: chr9-137696913-G-A.
Other names: c.3204+3G>A (NM_001278074.1).
Identifiers: ClinVar variation 197404 (VCV000197404.29), dbSNP rs202054108, ClinGen allele CA202868.